The following is an entry in ClinVar:

ClinVar aggregate classification (germline): Uncertain significance (1 of 4 stars; one submission).

Conditions:
RASopathy. Also called: Noonan spectrum disorder; rasopathies. Identifiers: Orphanet 536391, MedGen C5555857, MONDO:0021060.

gnomAD v4.1: 1 of 1,613,584 alleles (0.000062%); highest among the groups gnomAD compares: Non-Finnish European, 0.000085%; no homozygotes.

Submission:

Labcorp Genetics (formerly Invitae), Labcorp
Classification: Uncertain significance for RASopathy. Last evaluated: 2024-08-11. Review status: criteria provided, single submitter. Criteria: Invitae Variant Classification Sherloc (09022015). Collection method: clinical testing. Allele origin: germline.
Comment: This sequence change affects an acceptor splice site in intron 2 of the CBL gene. It is expected to disrupt RNA splicing. Variants that disrupt the donor or acceptor splice site typically lead to a loss of protein function (PMID: 16199547), however the current clinical and genetic evidence is not sufficient to establish whether loss-of-function variants in CBL cause disease. This variant is not present in population databases (gnomAD no frequency). This variant has not been reported in the literature in individuals affected with CBL-related conditions. Algorithms developed to predict the effect of sequence changes on RNA splicing suggest that this variant may disrupt the consensus splice site. In summary, the available evidence is currently insufficient to determine the role of this variant in disease. Therefore, it has been classified as a Variant of Uncertain Significance.

Literature cited by the submitters: PubMed 16199547.

NM_005188.4(CBL):c.444-1G>A

Gene: CBL (Cbl proto-oncogene; plus strand). Cytogenetic location: 11q23.3.
Variant type: single nucleotide variant.
Coding change: c.444-1G>A on transcript NM_005188.4 (MANE Select); the canonical splice acceptor site of the intron before coding-DNA position 444, G replaced by A.
Molecular consequence: splice acceptor variant.
Genome position (GRCh38, 1-based): chr11:119,271,734, G>A. VCF-style: chr11-119271734-G-A. GRCh37 (hg19) VCF-style: chr11-119142444-G-A.
Identifiers: ClinVar variation 3660891 (VCV003660891.2).